The following is an entry in ClinVar:

NM_001041.4(SI):c.5134G>A (p.Val1712Ile)

Gene: SI (sucrase-isomaltase; minus strand). Cytogenetic location: 3q26.1.
Variant type: single nucleotide variant.
Coding change: c.5134G>A on transcript NM_001041.4 (MANE Select); coding-DNA position 5134, G replaced by A.
Protein change: p.Val1712Ile; replaces valine 1712 with isoleucine.
Molecular consequence: missense variant.
Genome position (GRCh38, 1-based): chr3:164,987,201, C>T on the plus strand (G>A on the coding strand, the complement: SI is on the minus strand). VCF-style: chr3-164987201-C-T. GRCh37 (hg19) VCF-style: chr3-164704989-C-T.
Other names: short protein forms V1712I.
Identifiers: ClinVar variation 1713401 (VCV001713401.5), dbSNP rs2473314553, ClinGen allele CA355109626.
Genomic context (GRCh38, chr3:164,987,201, plus strand): 5'-TACTCTCTCCATCATCCCAAAACAGAGAACCCTGTGCCATCTGATTATCATCTGCAGCAA[C>T]AATGAGCTTCATGTGTTTTTGTCGACTATAAGAAAGAAATATATAATTTTACCCATGTTT-3'
Protein context (NP_001032.2, residues 1702-1722): YSRQKHMKLI[Val1712Ile]AADDNQMAQG

ClinVar aggregate classification (germline): Uncertain significance (1 of 4 stars; one submission).

Submission:

Labcorp Genetics (formerly Invitae), Labcorp
Classification: Uncertain significance. Last evaluated: 2022-07-15. Review status: criteria provided, single submitter. Criteria: Invitae Variant Classification Sherloc (09022015). Collection method: clinical testing. Allele origin: germline.
Comment: In summary, the available evidence is currently insufficient to determine the role of this variant in disease. Therefore, it has been classified as a Variant of Uncertain Significance. Advanced modeling of protein sequence and biophysical properties (such as structural, functional, and spatial information, amino acid conservation, physicochemical variation, residue mobility, and thermodynamic stability) performed at Invitae indicates that this missense variant is expected to disrupt SI protein function. This variant has not been reported in the literature in individuals affected with SI-related conditions. This variant is not present in population databases (gnomAD no frequency). This sequence change replaces valine, which is neutral and non-polar, with isoleucine, which is neutral and non-polar, at codon 1712 of the SI protein (p.Val1712Ile).